The following is an entry in ClinVar:

ClinVar aggregate classification (germline): Pathogenic (1 of 4 stars; one submission).

Conditions:
Susceptibility to respiratory infections associated with CD8alpha chain mutation (IMD116). Also called: IMMUNODEFICIENCY 116; Cd8 deficiency, familial. Identifiers: Orphanet 169085, MedGen C1837065, MONDO:0012161, OMIM 608957.

Submission:

3billion
Classification: Pathogenic for Susceptibility to respiratory infections associated with CD8alpha chain mutation. Last evaluated: 2025-07-15. Review status: criteria provided, single submitter. Criteria: ACMG Guidelines, 2015. Collection method: clinical testing. Allele origin: germline. Affected: yes.
Comment: The variant is not observed in the gnomAD v4.1.0 dataset. Predicted Consequence/Location: Stop-gained (nonsense): predicted to result in a loss or disruption of normal protein function through nonsense-mediated decay (NMD) or protein truncation. Multiple pathogenic variants are reported downstream of the variant. Therefore, this variant is classified as Likely pathogenic according to the recommendation of ACMG/AMP guideline.

NM_001768.7(CD8A):c.319C>T (p.Arg107Ter)

Gene: CD8A (CD8 subunit alpha; minus strand). Cytogenetic location: 2p11.2.
Variant type: single nucleotide variant.
Coding change: c.319C>T on transcript NM_001768.7 (MANE Select); coding-DNA position 319, C replaced by T.
Protein change: p.Arg107Ter; replaces arginine 107 with a stop codon.
Molecular consequence: nonsense. On other transcripts: non-coding transcript variant (3).
Genome position (GRCh38, 1-based): chr2:86,790,412, G>A on the plus strand (C>T on the coding strand, the complement: CD8A is on the minus strand). VCF-style: chr2-86790412-G-A. GRCh37 (hg19) VCF-style: chr2-87017535-G-A.
Other names: c.319C>T, p.Arg107Ter (NM_001145873.1, NM_001382698.1, NM_171827.4); short protein forms R107*.
Identifiers: ClinVar variation 4855490 (VCV004855490.1).
Genomic context (GRCh38, chr2:86,790,412, plus strand): 5'-GGCTGAAGTACATGATGGAGTTGCTCAGGGCCGAGCAGAAATAGTAGCCCTCGTTCTCTC[G>A]GCGGAAGTCGCTCAGGGTGAGGACGAAGGTGTCCCCCAACCTCTTGCCCGAGAACCGCTG-3'